The following is an entry in ClinVar:

ClinVar aggregate classification (germline): Uncertain significance (1 of 4 stars; one submission).

gnomAD v4.1: 15 of 1,598,728 alleles (0.00094%); highest among the groups gnomAD compares: Non-Finnish European, 0.0013%; no homozygotes.

Submission:

Labcorp Genetics (formerly Invitae), Labcorp
Classification: Uncertain significance. Last evaluated: 2024-04-02. Review status: criteria provided, single submitter. Criteria: Invitae Variant Classification Sherloc (09022015). Collection method: clinical testing. Allele origin: germline.
Comment: This sequence change affects codon 3617 of the HMCN1 mRNA. It is a 'silent' change, meaning that it does not change the encoded amino acid sequence of the HMCN1 protein. It affects a nucleotide within the consensus splice site. This variant is present in population databases (rs774177091, gnomAD 0.003%). This variant has not been reported in the literature in individuals affected with HMCN1-related conditions. Algorithms developed to predict the effect of sequence changes on RNA splicing suggest that this variant is not likely to affect RNA splicing. In summary, the available evidence is currently insufficient to determine the role of this variant in disease. Therefore, it has been classified as a Variant of Uncertain Significance.

NM_031935.3(HMCN1):c.10851T>C (p.His3617=)

Gene: HMCN1 (hemicentin 1; plus strand). Cytogenetic location: 1q31.1.
Variant type: single nucleotide variant.
Coding change: c.10851T>C on transcript NM_031935.3 (MANE Select); coding-DNA position 10851, T replaced by C.
Protein change: p.His3617=; no amino-acid change (histidine 3617 retained).
Molecular consequence: synonymous variant.
Genome position (GRCh38, 1-based): chr1:186,106,964, T>C. VCF-style: chr1-186106964-T-C. GRCh37 (hg19) VCF-style: chr1-186076096-T-C.
Identifiers: ClinVar variation 3614918 (VCV003614918.2).